The following is an entry in ClinVar:

ClinVar aggregate classification (germline): Likely pathogenic (1 of 4 stars; one submission).

Conditions:
Angelman syndrome (AS). Also called: HAPPY PUPPET SYNDROME. Identifiers: Orphanet 72, MedGen C0162635, MONDO:0007113, OMIM 105830. Disease mechanism: loss of function. Inheritance: AS is caused by disruption of maternally imprinted UBE3A located within the 15q11.2-q13 Angelman syndrome/Prader-Willi syndrome (AS/PWS) region., imprinting disorder.

Submission:

3billion
Classification: Likely pathogenic for Angelman syndrome. Last evaluated: 2024-11-11. Review status: criteria provided, single submitter. Criteria: ACMG Guidelines, 2015. Collection method: clinical testing. Allele origin: germline. Affected: yes.
Comment: The variant is not observed in the gnomAD v4.1.0 dataset. Predicted Consequence/Location: Stop-gained (nonsense): predicted to result in a loss or disruption of normal protein function through nonsense-mediated decay (NMD) or protein truncation. Multiple pathogenic variants are reported downstream of the variant. Therefore, this variant is classified as Likely pathogenic according to the recommendation of ACMG/AMP guideline.

NM_130839.5(UBE3A):c.479T>A (p.Leu160Ter)

Genes: SNHG14 (small nucleolar RNA host gene 14; plus strand), UBE3A (ubiquitin protein ligase E3A; minus strand). Cytogenetic location: 15q11.2.
Variant type: single nucleotide variant.
Coding change: c.479T>A on transcript NM_130839.5 (MANE Select); coding-DNA position 479, T replaced by A.
Protein change: p.Leu160Ter; replaces leucine 160 with a stop codon.
Molecular consequence: nonsense. On other transcripts: non-coding transcript variant (1), intron variant (2).
Genome position (GRCh38, 1-based): chr15:25,371,695, A>T on the plus strand (T>A on the coding strand, the complement: UBE3A is on the minus strand). VCF-style: chr15-25371695-A-T. GRCh37 (hg19) VCF-style: chr15-25616842-A-T.
Other names: c.419T>A, p.Leu140Ter (NM_001354508.2, NM_001354509.2, NM_001354511.2 and 17 more transcripts); c.479T>A, p.Leu160Ter (NM_001354538.2, NM_001354505.1, NM_001354545.2); c.301+3770T>A (NM_001354551.2); c.361+3770T>A (NM_001354550.2); c.488T>A, p.Leu163Ter (NM_000462.5); c.302T>A, p.Leu101Ter (NM_001354546.2); short protein forms L101*, L140*, L160*, L163*.
Identifiers: ClinVar variation 4292035 (VCV004292035.1).
Genomic context (GRCh38, chr15:25,371,695, plus strand): 5'-GCTTGAAGAGATTTCAGTTCTTCCTTGGTGTGTTGTTTAACTTTCCGGAAGCTCTGTACC[A>T]ATGCCTCAGCACTAGAAAAAACTCTTCCAATAACACGGATTAAAGGGGAATAATCCTCTC-3'